The following is an entry in ClinVar:

ClinVar aggregate classification (germline): Likely benign. Review status: criteria provided, multiple submitters, no conflicts (2 of 4 stars). 3 submissions from 3 submitters: Likely benign (2). 1 of the submissions does not count toward it. Last evaluated 2016-03-29.

Conditions:
DNAH17-related disorder. Also called: DNAH17-related condition.

Allele frequency attached by ClinVar (database versions not stated): 1000 Genomes Project 30x 0.01140; 1000 Genomes Project 0.01218; gnomAD 0.01936; TOPMed 0.02105; gnomAD exomes 0.02348 and 0.02860; ESP Exome Variant Server 0.02384; ExAC 0.02459.
gnomAD v4.1: 44,984 of 1,613,546 alleles (2.8%); highest among the groups gnomAD compares: Non-Finnish European, 3.2%; 748 homozygotes.

Submissions (3):

Laboratory for Molecular Medicine, Mass General Brigham Personalized Medicine
Classification: Likely benign. Last evaluated: 2016-03-29. Review status: criteria provided, single submitter. Criteria: LMM Criteria. Collection method: clinical testing. Allele origin: germline.
Comment: Variant identified in a genome or exome case(s) and assessed due to predicted null impact of the variant or pathogenic assertions in the literature or databases. Disclaimer: This variant has not undergone full assessment. The following are preliminary notes: Axonemal dynein, but frequency is high

Breakthrough Genomics
Classification: Likely benign. Review status: criteria provided, single submitter. Criteria: ACMG Guidelines, 2015. Collection method: not provided. Allele origin: germline. Inheritance: Autosomal recessive inheritance. Affected: yes.

PreventionGenetics, part of Exact Sciences
Classification: Benign for DNAH17-related condition. Last evaluated: 2020-01-24. Review status: no assertion criteria provided. Collection method: clinical testing. Allele origin: germline. Not counted in ClinVar's aggregate classification.
Comment: This variant is classified as benign based on ACMG/AMP sequence variant interpretation guidelines (Richards et al. 2015 PMID: 25741868, with internal and published modifications).

NM_173628.4(DNAH17):c.12854G>A (p.Arg4285Gln)

Gene: DNAH17 (dynein axonemal heavy chain 17; minus strand). Cytogenetic location: 17q25.3.
Variant type: single nucleotide variant.
Coding change: c.12854G>A on transcript NM_173628.4 (MANE Select); coding-DNA position 12854, G replaced by A.
Protein change: p.Arg4285Gln; replaces arginine 4285 with glutamine.
Molecular consequence: missense variant.
Genome position (GRCh38, 1-based): chr17:78,426,518, C>T on the plus strand (G>A on the coding strand, the complement: DNAH17 is on the minus strand). VCF-style: chr17-78426518-C-T. GRCh37 (hg19) VCF-style: chr17-76422599-C-T.
Other names: short protein forms R4285Q.
Identifiers: ClinVar variation 402703 (VCV000402703.7), dbSNP rs35973257, ClinGen allele CA8799803.